The following is an entry in ClinVar:

NM_198253.3(TERT):c.746C>A (p.Thr249Lys)

Gene: TERT (telomerase reverse transcriptase; minus strand). Cytogenetic location: 5p15.33.
Variant type: single nucleotide variant.
Coding change: c.746C>A on transcript NM_198253.3 (MANE Select); coding-DNA position 746, C replaced by A.
Protein change: p.Thr249Lys; replaces threonine 249 with lysine.
Molecular consequence: missense variant. On other transcripts: non-coding transcript variant (2).
Genome position (GRCh38, 1-based): chr5:1,294,140, G>T on the plus strand (C>A on the coding strand, the complement: TERT is on the minus strand). VCF-style: chr5-1294140-G-T. GRCh37 (hg19) VCF-style: chr5-1294255-G-T.
Other names: c.746C>A, p.Thr249Lys (NM_003219.1, NM_001193376.3); short protein forms T249K.
Identifiers: ClinVar variation 1759047 (VCV001759047.2), dbSNP rs1174718400, ClinGen allele CA359056907.

ClinVar aggregate classification (germline): Uncertain significance (1 of 4 stars; one submission).

Conditions:
Dyskeratosis congenita. Identifiers: Orphanet 1775, MedGen C0265965, MONDO:0015780.

Submission:

Ambry Genetics
Classification: Uncertain significance for Dyskeratosis congenita. Last evaluated: 2022-02-07. Review status: criteria provided, single submitter. Criteria: Ambry Variant Classification Scheme 2023. Collection method: clinical testing. Allele origin: germline.
Comment: The p.T249K variant (also known as c.746C>A), located in coding exon 2 of the TERT gene, results from a C to A substitution at nucleotide position 746. The threonine at codon 249 is replaced by lysine, an amino acid with similar properties. This amino acid position is conserved. In addition, this alteration is predicted to be tolerated by in silico analysis. Since supporting evidence is limited at this time, the clinical significance of this alteration remains unclear.